The following is an entry in ClinVar:

NM_007294.4(BRCA1):c.5267_5268insC (p.Gln1756fs)

Gene: BRCA1 (BRCA1 DNA repair associated; minus strand). Cytogenetic location: 17q21.31.
Variant type: Insertion.
Coding change: c.5267_5268insC on transcript NM_007294.4 (MANE Select); coding-DNA positions 5267 to 5268, C inserted.
Protein change: p.Gln1756fs; shifts the reading frame from glutamine 1756.
Molecular consequence: frameshift variant. On other transcripts: non-coding transcript variant (1).
Genome position: GRCh38 VCF-style: chr17-43057061-C-CG. GRCh37 (hg19) VCF-style: chr17-41209078-C-CG.
Other names: 5386insC; c.1712_1713insC, p.Gln571Hisfs (NM_001408495.1); c.1694_1695insC, p.Gln565Hisfs (NM_001408496.1, NM_001408497.1, NM_001408498.1 and 3 more transcripts); c.1691_1692insC, p.Gln564Hisfs (NM_001408502.1, NM_001408503.1, NM_001408504.1); c.1688_1689insC, p.Gln563Hisfs (NM_001408505.1); c.1631_1632insC, p.Gln544Hisfs (NM_001408506.1); c.1628_1629insC, p.Gln543Hisfs (NM_001408507.1); c.1619_1620insC, p.Gln540Hisfs (NM_001408508.1); and 76 more; short protein forms Q1777fs, Q1709fs, Q652fs, Q1756fs.
Identifiers: ClinVar variation 266540 (VCV000266540.7), dbSNP rs886040284, ClinGen allele CA10589603.

ClinVar aggregate classification (germline): Pathogenic. Review status: reviewed by expert panel (3 of 4 stars). 2 submissions from 2 submitters: Pathogenic (1). 1 of the submissions does not count toward it. Last evaluated 2016-10-18.

Conditions:
Breast-ovarian cancer, familial, susceptibility to, 1 (BROVCA1). Also called: BRCA1 Hereditary Breast and Ovarian Cancer; OVARIAN CANCER, SUSCEPTIBILITY TO. Identifiers: Orphanet 145, MedGen C2676676, MONDO:0011450, OMIM 604370. Disease mechanism: loss of function.

Submissions (2):

Evidence-based Network for the Interpretation of Germline Mutant Alleles (ENIGMA)
Classification: Pathogenic for Breast-ovarian cancer, familial, susceptibility to, 1. Last evaluated: 2016-10-18. Review status: reviewed by expert panel. Criteria: ENIGMA BRCA1/2 Classification Criteria (2015). Collection method: curation. Allele origin: germline.
Comment: Variant allele predicted to encode a truncated non-functional protein.

Consortium of Investigators of Modifiers of BRCA1/2 (CIMBA), c/o University of Cambridge
Classification: Pathogenic for Breast-ovarian cancer, familial, susceptibility to, 1. Last evaluated: 2015-10-02. Review status: criteria provided, single submitter. Criteria: CIMBA Mutation Classification guidelines May 2016. Collection method: clinical testing. Allele origin: germline. Not counted in ClinVar's aggregate classification.